The following is an entry in ClinVar:

ClinVar aggregate classification (germline): Conflicting classifications of pathogenicity. Review status: criteria provided, conflicting classifications (1 of 4 stars). 4 submissions from 4 submitters: Uncertain significance (3); Likely benign (1). Last evaluated 2026-01-13.

Conditions:
VHL-related disorder. Also called: VHL-related condition.
Chuvash polycythemia. Also called: POLYCYTHEMIA, VHL-DEPENDENT. Identifiers: Orphanet 238557, MedGen C1837915, MONDO:0009892, OMIM 263400.
Von Hippel-Lindau syndrome (VHLS). Also called: VHL syndrome; Von Hippel-Lindau; von Hippel–Lindau syndrome. Identifiers: Orphanet 892, MedGen C0019562, MONDO:0008667, OMIM 193300. Disease mechanism: loss of function.

Submissions (4):

PreventionGenetics, part of Exact Sciences
Classification: Likely benign for VHL-related condition. Last evaluated: 2026-01-13. Review status: criteria provided, single submitter. Criteria: ACMG Guidelines, 2015. Collection method: clinical testing. Allele origin: germline.
Comment: This variant is classified as likely benign based on ACMG/AMP sequence variant interpretation guidelines (Richards et al. 2015 PMID: 25741868, with internal and published modifications).

Labcorp Genetics (formerly Invitae), Labcorp
Classification: Uncertain significance for Von Hippel-Lindau syndrome; Chuvash polycythemia. Last evaluated: 2025-11-25. Review status: criteria provided, single submitter. Criteria: Invitae Variant Classification Sherloc (09022015). Collection method: clinical testing. Allele origin: germline.
Comment: This variant occurs in a non-coding region of the VHL gene. It does not change the encoded amino acid sequence of the VHL protein. This variant is present in population databases (no rsID available, gnomAD 0.01%). This variant has not been reported in the literature in individuals affected with VHL-related conditions. ClinVar contains an entry for this variant (Variation ID: 3072506). Experimental studies and prediction algorithms are not available or were not evaluated, and the functional significance of this variant is currently unknown. In summary, the available evidence is currently insufficient to determine the role of this variant in disease. Therefore, it has been classified as a Variant of Uncertain Significance.

Color Diagnostics, LLC DBA Color Health
Classification: Uncertain significance for Von Hippel-Lindau syndrome. Last evaluated: 2025-07-18. Review status: criteria provided, single submitter. Criteria: ACMG Guidelines, 2015. Collection method: clinical testing. Allele origin: germline.
Comment: This variant causes a 23-basepair duplication in the 5' untranslated region of the VHL gene. This duplication c.-50_-28dup is distal to the Kozak consensus sequence and the translation initiation codon. To our knowledge, functional studies have not been reported for this variant. This variant has not been reported in individuals affected with VHL-related disorders in the literature. This variant has been identified in 1/31314 chromosomes in the general population by the Genome Aggregation Database (gnomAD). The available evidence is insufficient to determine the role of this variant in disease conclusively. Therefore, this variant is classified as a Variant of Uncertain Significance.

All of Us Research Program, National Institutes of Health
Classification: Uncertain significance for Von Hippel-Lindau syndrome. Last evaluated: 2023-12-13. Review status: criteria provided, single submitter. Criteria: ACMG Guidelines, 2015. Collection method: clinical testing. Allele origin: germline. Inheritance: Autosomal dominant inheritance. Observed: 3 variant alleles, 3 heterozygotes.
Comment: This variant causes a 23-basepair duplication in the 5' untranslated region of the VHL gene. This duplication c.-50_-28dup is distal to the Kozak consensus sequence and the translation initiation codon. To our knowledge, functional studies have not been reported for this variant. This variant has not been reported in individuals affected with VHL-related disorders in the literature. This variant has been identified in 1/31314 chromosomes in the general population by the Genome Aggregation Database (gnomAD). The available evidence is insufficient to determine the role of this variant in disease conclusively. Therefore, this variant is classified as a Variant of Uncertain Significance.

This study involves interpretation of variants in research participants for the purpose of population health screening. Participant phenotype was not available at the time of variant classification. Additional details can be found in publication PMID: 35346344, PMCID: PMC8962531

NM_000551.4(VHL):c.-50_-28dup

Gene: VHL (von Hippel-Lindau tumor suppressor; plus strand). Cytogenetic location: 3p25.3.
Variant type: Duplication.
Coding change: c.-50_-28dup on transcript NM_000551.4 (MANE Select); 50 bases upstream of the start codon through 28 bases upstream of the start codon, 23 bases duplicated (ACCCGCGGATCCCGCGGCGTCCG).
Molecular consequence: 5 prime UTR variant. On other transcripts: non-coding transcript variant (1).
Genome position (GRCh38, 1-based): chr3:10,141,798-10,141,820, ACCCGCGGATCCCGCGGCGTCCG duplicated; duplicating any 23 consecutive bases within chr3:10,141,791-10,141,820 gives the same sequence; the c. name uses the placement nearest the transcript's 3' end. VCF-style (leftmost placement, unchanged base first): chr3-10141790-C-CGCGTCCGACCCGCGGATCCCGCG. GRCh37 (hg19) VCF-style: chr3-10183474-C-CGCGTCCGACCCGCGGATCCCGCG.
Other names: c.-50_-28dup (NM_001354723.2, NM_198156.3); c.-50_-28dup23 (NM_000551.3).
Identifiers: ClinVar variation 3072506 (VCV003072506.5), dbSNP rs1298211819, ClinGen allele CA541213485.